The following is an entry in ClinVar:

ClinVar aggregate classification (germline): Uncertain significance. Review status: criteria provided, multiple submitters, no conflicts (2 of 4 stars). 2 submissions from 2 submitters: Uncertain significance (2). Last evaluated 2025-06-09.

gnomAD v4.1: 19 of 1,613,886 alleles (0.0012%); highest among the groups gnomAD compares: Admixed American, 0.0017%; no homozygotes.

Submissions (2):

Labcorp Genetics (formerly Invitae), Labcorp
Classification: Uncertain significance. Last evaluated: 2025-06-09. Review status: criteria provided, single submitter. Criteria: Invitae Variant Classification Sherloc (09022015). Collection method: clinical testing. Allele origin: germline.
Comment: This sequence change replaces methionine, which is neutral and non-polar, with valine, which is neutral and non-polar, at codon 789 of the RPS6KC1 protein (p.Met789Val). This variant is present in population databases (no rsID available, gnomAD 0.0009%). This variant has not been reported in the literature in individuals affected with RPS6KC1-related conditions. ClinVar contains an entry for this variant (Variation ID: 3610411). An algorithm developed to predict the effect of missense changes on protein structure and function outputs the following: PolyPhen-2: "Benign". The valine amino acid residue is found in multiple mammalian species, which suggests that this missense change does not adversely affect protein function. In summary, the available evidence is currently insufficient to determine the role of this variant in disease. Therefore, it has been classified as a Variant of Uncertain Significance.

Ambry Genetics
Classification: Uncertain significance. Last evaluated: 2025-02-21. Review status: criteria provided, single submitter. Criteria: Ambry Variant Classification Scheme 2023. Collection method: clinical testing. Allele origin: germline.

NM_012424.6(RPS6KC1):c.2365A>G (p.Met789Val)

Gene: RPS6KC1 (ribosomal protein S6 kinase C1; plus strand). Cytogenetic location: 1q32.3.
Variant type: single nucleotide variant.
Coding change: c.2365A>G on transcript NM_012424.6 (MANE Select); coding-DNA position 2365, A replaced by G.
Protein change: p.Met789Val; replaces methionine 789 with valine.
Molecular consequence: missense variant. On other transcripts: non-coding transcript variant (4).
Genome position (GRCh38, 1-based): chr1:213,241,841, A>G. VCF-style: chr1-213241841-A-G. GRCh37 (hg19) VCF-style: chr1-213415184-A-G.
Other names: c.2329A>G, p.Met777Val (NM_001136138.4); c.1729A>G, p.Met577Val (NM_001287218.3, NM_001287219.3, NM_001349654.2); c.970A>G, p.Met324Val (NM_001287220.3, NM_001349668.2, NM_001349669.2 and 8 more transcripts); c.1822A>G, p.Met608Val (NM_001287221.3, NM_001349648.2, NM_001349649.2 and 4 more transcripts); c.2272A>G, p.Met758Val (NM_001349646.2); c.2002A>G, p.Met668Val (NM_001349647.2); c.1474A>G, p.Met492Val (NM_001349657.2, NM_001349658.2); c.2365A>G (NM_012424.3); and 1 more; short protein forms M324V, M437V, M492V, M577V, M608V, M668V, M758V, M777V.
Identifiers: ClinVar variation 3610411 (VCV003610411.3).